The following is an entry in ClinVar:

NC_012920.1(MT-ATP6):m.9019A>G

Gene: MT-ATP6 (mitochondrially encoded ATP synthase 6; plus strand).
Variant type: single nucleotide variant.
Genome position: chrM-9019-A-G.
Identifiers: ClinVar variation 693056 (VCV000693056.1), dbSNP rs1603221982, ClinGen allele CA414801891.

ClinVar aggregate classification (germline): Uncertain significance (1 of 4 stars; one submission).

Conditions:
Leigh syndrome (NULS). Also called: Leigh's necrotizing encephalopathy; Leigh's disease; Leigh Syndrome (mtDNA deletion); Leigh Disease; Subacute necrotizing encephalopathy; Necrotizing encephalopathy infantile subacute of Leigh. Identifiers: Orphanet 506, MedGen C2931891, MONDO:0009723, OMIM 256000.

Submission:

Wong Mito Lab, Molecular and Human Genetics, Baylor College of Medicine
Classification: Uncertain significance for Leigh syndrome. Last evaluated: 2019-10-17. Review status: criteria provided, single submitter. Criteria: Modified ACMG Guidelines (Unpublished). Collection method: clinical testing. Allele origin: germline.
Comment: The NC_012920.1:m.9019A>G (YP_003024031.1:p.Thr165Ala) variant in MTATP6 gene is interpretated to be a Uncertain Significance variant based on the modified ACMG guidelines (unpublished). This variant meets the following evidence codes: PP7